The following is an entry in ClinVar:

ClinVar aggregate classification (germline): Uncertain significance (1 of 4 stars; one submission).

Conditions:
Temtamy syndrome (TEMTYS). Also called: MENTAL RETARDATION WITH OR WITHOUT CRANIOFACIAL DYSMORPHISM, OCULAR COLOBOMA, OR ABNORMAL CORPUS CALLOSUM. Identifiers: Orphanet 1777, MedGen C1857512, MONDO:0009033, OMIM 218340.

gnomAD v4.1: 6 of 1,613,518 alleles (0.00037%); highest among the groups gnomAD compares: Middle Eastern, 0.053%; no homozygotes.

Submission:

Labcorp Genetics (formerly Invitae), Labcorp
Classification: Uncertain significance for Temtamy syndrome. Last evaluated: 2022-11-11. Review status: criteria provided, single submitter. Criteria: Invitae Variant Classification Sherloc (09022015). Collection method: clinical testing. Allele origin: germline.
Comment: Algorithms developed to predict the effect of missense changes on protein structure and function (SIFT, PolyPhen-2, Align-GVGD) all suggest that this variant is likely to be disruptive. This sequence change replaces proline, which is neutral and non-polar, with leucine, which is neutral and non-polar, at codon 30 of the C12orf57 protein (p.Pro30Leu). This variant is present in population databases (no rsID available, gnomAD no frequency). This variant has not been reported in the literature in individuals affected with C12orf57-related conditions. ClinVar contains an entry for this variant (Variation ID: 1681828). In summary, the available evidence is currently insufficient to determine the role of this variant in disease. Therefore, it has been classified as a Variant of Uncertain Significance.

NM_138425.4(C12orf57):c.89C>T (p.Pro30Leu)

Gene: C12orf57 (chromosome 12 open reading frame 57; plus strand). Cytogenetic location: 12p13.31.
Variant type: single nucleotide variant.
Coding change: c.89C>T on transcript NM_138425.4 (MANE Select); coding-DNA position 89, C replaced by T.
Protein change: p.Pro30Leu; replaces proline 30 with leucine.
Molecular consequence: missense variant. On other transcripts: 5 prime UTR variant (1), non-coding transcript variant (1).
Genome position (GRCh38, 1-based): chr12:6,944,512, C>T. VCF-style: chr12-6944512-C-T. GRCh37 (hg19) VCF-style: chr12-7053675-C-T.
Other names: c.89C>T, p.Pro30Leu (NM_001301834.1, NM_001301837.2); c.50C>T, p.Pro17Leu (NM_001301836.2); c.-17C>T (NM_001301838.2); short protein forms P17L, P30L.
Identifiers: ClinVar variation 1681828 (VCV001681828.6), dbSNP rs782646361, ClinGen allele CA383744367.